The following is an entry in ClinVar:

ClinVar aggregate classification (germline): Pathogenic. Review status: criteria provided, multiple submitters, no conflicts (2 of 4 stars). 3 submissions from 3 submitters: Pathogenic (2). 1 of the submissions does not count toward it. Last evaluated 2023-05-01.

Conditions:
Inborn genetic diseases. Identifiers: MedGen C0950123, MeSH D030342.
Spastic paraplegia. Identifiers: MedGen C0037772, HP:0001258.
Hereditary spastic paraplegia 15 (SPG15). Also called: KJELLIN SYNDROME; SPASTIC PARAPLEGIA AND RETINAL DEGENERATION; SPASTIC PARAPLEGIA 15, AUTOSOMAL RECESSIVE. Identifiers: Orphanet 100996, MedGen C1849128, MONDO:0010044, OMIM 270700.

Submissions (3):

Labcorp Genetics (formerly Invitae), Labcorp
Classification: Pathogenic for Spastic paraplegia. Last evaluated: 2023-05-01. Review status: criteria provided, single submitter. Criteria: Invitae Variant Classification Sherloc (09022015). Collection method: clinical testing. Allele origin: germline.
Comment: For these reasons, this variant has been classified as Pathogenic. ClinVar contains an entry for this variant (Variation ID: 224987). This variant has not been reported in the literature in individuals affected with ZFYVE26-related conditions. This variant is not present in population databases (gnomAD no frequency). This sequence change creates a premature translational stop signal (p.Gln2399*) in the ZFYVE26 gene. It is expected to result in an absent or disrupted protein product. Loss-of-function variants in ZFYVE26 are known to be pathogenic (PMID: 18394578, 19805727).

Ambry Genetics
Classification: Pathogenic for Inborn genetic diseases. Last evaluated: 2014-07-07. Review status: criteria provided, single submitter. Criteria: Ambry General Variant Classification Scheme_2022. Collection method: clinical testing. Allele origin: germline. Observed: 1 variant allele.
Comment: The c.7195C>T (p.Q2399*) alteration, located in exon 40 (coding exon 39) of the ZFYVE26 gene, consists of a C to T substitution at nucleotide position 7195. This changes the amino acid from a glutamine (Q) to a stop codon at amino acid position 2399. Premature stop codons are typically deleterious in nature (Richards, 2015). Based on data from the NHLBI Exome Sequencing Project (ESP), the c.7195C>T alteration was not observed among 6,503 individuals tested (0.0%). Allele frequency data for this nucleotide position are not currently available from the 1000 Genomes Project and the alteration is not currently listed in the Database of Single Nucleotide Polymorphisms (dbSNP). Though some variants may appear to be rare due to database-specific ethnic underrepresentation, rare missense alleles commonly exhibit a deleterious effect on protein function (Kryukov, 2007; Tennessen, 2012). IF USED, PULL THESE INTO REFERENCES: Kryukov GV, et al. (2007) Am J Hum Genet 80:727-739. Tennessen JA, et al. (2012) Science 337(64):64-69. Based on the available evidence, this alteration is classified as pathogenic.

Counsyl
Classification: Likely pathogenic for Hereditary spastic paraplegia 15. Last evaluated: 2017-10-19. Review status: no assertion criteria provided. Collection method: clinical testing. Allele origin: unknown. Not counted in ClinVar's aggregate classification.

Literature cited by the submitters: PubMed 18394578 (cited by Labcorp Genetics (formerly Invitae), Labcorp); PubMed 19805727 (cited by Labcorp Genetics (formerly Invitae), Labcorp).

NM_015346.4(ZFYVE26):c.7195C>T (p.Gln2399Ter)

Gene: ZFYVE26 (zinc finger FYVE-type containing 26; minus strand). Cytogenetic location: 14q24.1.
Variant type: single nucleotide variant.
Coding change: c.7195C>T on transcript NM_015346.4 (MANE Select); coding-DNA position 7195, C replaced by T.
Protein change: p.Gln2399Ter; replaces glutamine 2399 with a stop codon.
Molecular consequence: nonsense.
Genome position (GRCh38, 1-based): chr14:67,752,520, G>A on the plus strand (C>T on the coding strand, the complement: ZFYVE26 is on the minus strand). VCF-style: chr14-67752520-G-A. GRCh37 (hg19) VCF-style: chr14-68219237-G-A.
Other names: short protein forms Q2399*.
Identifiers: ClinVar variation 224987 (VCV000224987.8), dbSNP rs869312914, ClinGen allele CA358160.
Genomic context (GRCh38, chr14:67,752,520, plus strand): 5'-ACTTCTCTTTCTCCACCAACTGGCGGGCAGCTCTGCAGTAGGTCATGGCAGCATCCAGCT[G>A]GAAGTCCTAGAACAGAACACAACATGATGGGCTTAGGAGCAGGAAACGTTAACGGTGGGG-3'